The following is an entry in ClinVar:

ClinVar aggregate classification (germline): Uncertain significance. Review status: criteria provided, multiple submitters, no conflicts (2 of 4 stars). 2 submissions from 2 submitters: Uncertain significance (2). Last evaluated 2024-07-22.

Conditions:
Marfan syndrome (MFS). Also called: Marfan's syndrome; Marfan syndrome, classic; MARFAN SYNDROME, TYPE I; Marfan syndrome type 1; FBN1-Related Marfan Syndrome. Identifiers: Orphanet 284963, Orphanet 558, MedGen C0024796, MONDO:0007947, OMIM 154700.
Familial thoracic aortic aneurysm and aortic dissection (TAAD). Also called: Thoracic aortic aneurysms and dissections. Identifiers: Orphanet 91387, MedGen C4707243, MONDO:0019625.

Submissions (2):

Labcorp Genetics (formerly Invitae), Labcorp
Classification: Uncertain significance for Marfan syndrome; Familial thoracic aortic aneurysm and aortic dissection. Last evaluated: 2024-07-22. Review status: criteria provided, single submitter. Criteria: Invitae Variant Classification Sherloc (09022015). Collection method: clinical testing. Allele origin: germline.
Comment: This sequence change replaces tyrosine, which is neutral and polar, with cysteine, which is neutral and slightly polar, at codon 2678 of the FBN1 protein (p.Tyr2678Cys). This variant is not present in population databases (gnomAD no frequency). This variant has not been reported in the literature in individuals affected with FBN1-related conditions. ClinVar contains an entry for this variant (Variation ID: 1803472). Advanced modeling of protein sequence and biophysical properties (such as structural, functional, and spatial information, amino acid conservation, physicochemical variation, residue mobility, and thermodynamic stability) performed at Invitae indicates that this missense variant is expected to disrupt FBN1 protein function with a positive predictive value of 95%. In summary, the available evidence is currently insufficient to determine the role of this variant in disease. Therefore, it has been classified as a Variant of Uncertain Significance.

GeneDx
Classification: Uncertain significance. Last evaluated: 2022-06-10. Review status: criteria provided, single submitter. Criteria: GeneDx Variant Classification Process June 2021. Collection method: clinical testing. Allele origin: germline. Affected: yes.
Comment: Has not been previously published as pathogenic or benign to our knowledge; Not observed at significant frequency in large population cohorts (gnomAD); In silico analysis supports that this missense variant has a deleterious effect on protein structure/function; Although located in a calcium-binding EGF-like domain of the FBN1 gene, it does not affect a cysteine residue within this domain; cysteine substitutions in the calcium-binding EGF-like domains represent the majority of pathogenic missense changes associated with FBN1-related disorders (Collod-Beroud et al., 2003)

NM_000138.5(FBN1):c.8033A>G (p.Tyr2678Cys)

Gene: FBN1 (fibrillin 1; minus strand). Cytogenetic location: 15q21.1.
Variant type: single nucleotide variant.
Coding change: c.8033A>G on transcript NM_000138.5 (MANE Select); coding-DNA position 8033, A replaced by G.
Protein change: p.Tyr2678Cys; replaces tyrosine 2678 with cysteine.
Molecular consequence: missense variant.
Genome position (GRCh38, 1-based): chr15:48,415,554, T>C on the plus strand (A>G on the coding strand, the complement: FBN1 is on the minus strand). VCF-style: chr15-48415554-T-C. GRCh37 (hg19) VCF-style: chr15-48707751-T-C.
Other names: c.8033A>G, p.Tyr2678Cys (NM_001406716.1); short protein forms Y2678C.
Identifiers: ClinVar variation 1803472 (VCV001803472.3), dbSNP rs2505382513, ClinGen allele CA392322544.